The following is an entry in ClinVar:

ClinVar aggregate classification (germline): Uncertain significance (1 of 4 stars; one submission).

Allele frequency attached by ClinVar (database versions not stated): gnomAD exomes 0.00012 and 0.00026; ExAC 0.00023; 1000 Genomes Project 0.00040; 1000 Genomes Project 30x 0.00062; gnomAD 0.00064 and 0.00068; ESP Exome Variant Server 0.00069; TOPMed 0.00070.

Submission:

Women's Health and Genetics/Laboratory Corporation of America, LabCorp
Classification: Uncertain significance. Last evaluated: 2020-07-17. Review status: criteria provided, single submitter. Criteria: LabCorp Variant Classification Summary - May 2015. Collection method: clinical testing. Allele origin: germline.
Comment: Variant summary: LAMB3 c.*19G>A is located in the untranslated mRNA region downstream of the termination codon. The variant allele was found at a frequency of 0.00031 in 282504 control chromosomes, predominantly at a frequency of 0.002 within the African or African-American subpopulation in the gnomAD database. The observed variant frequency within African or African-American control individuals in the gnomAD database is approximately equal to the estimated maximal expected allele frequency for a pathogenic variant in Junctional Epidermolysis Bullosa phenotype (0.002), allowing no conclusion about variant significance. To our knowledge, no occurrence of c.*19G>A in individuals affected with Junctional Epidermolysis Bullosa and no experimental evidence demonstrating its impact on protein function have been reported. No clinical diagnostic laboratories have submitted clinical-significance assessments for this variant to ClinVar after 2014. Based on the evidence outlined above, the variant was classified as uncertain significance.

NM_000228.3(LAMB3):c.*19G>A

Gene: LAMB3 (laminin subunit beta 3; minus strand). Cytogenetic location: 1q32.2.
Variant type: single nucleotide variant.
Coding change: c.*19G>A on transcript NM_000228.3 (MANE Select); 19 bases downstream of the stop codon, G replaced by A.
Molecular consequence: 3 prime UTR variant.
Genome position (GRCh38, 1-based): chr1:209,615,252, C>T on the plus strand (G>A on the coding strand, the complement: LAMB3 is on the minus strand). VCF-style: chr1-209615252-C-T. GRCh37 (hg19) VCF-style: chr1-209788597-C-T.
Other names: c.*19G>A (NM_001017402.2, NM_001127641.1).
Identifiers: ClinVar variation 974970 (VCV000974970.1), dbSNP rs369211699, ClinGen allele CA1374828.
Genomic context (GRCh38, chr1:209,615,252, plus strand): 5'-AAAGCATTCCAACCCAATCTGCCCCCAACCAAAAGCAAAGGCGGCAGATGAGTGGGGCAA[C>T]GGGCTGGAAGCTGTAGCATCACTTGCAGGTGGCATAGTAGAGCACGCGCCCATTGATGTG-3'